The following is an entry in ClinVar:

NM_001080.3(ALDH5A1):c.538C>T (p.His180Tyr)

Gene: ALDH5A1 (aldehyde dehydrogenase 5 family member A1; plus strand). Cytogenetic location: 6p22.3.
Variant type: single nucleotide variant.
Coding change: c.538C>T on transcript NM_001080.3 (MANE Select); coding-DNA position 538, C replaced by T.
Protein change: p.His180Tyr; replaces histidine 180 with tyrosine.
Molecular consequence: missense variant.
Genome position (GRCh38, 1-based): chr6:24,503,362, C>T. VCF-style: chr6-24503362-C-T. GRCh37 (hg19) VCF-style: chr6-24503590-C-T.
Other names: c.538C>T, p.His180Tyr (NM_001368954.1, NM_170740.1); short protein forms H180Y.
Identifiers: ClinVar variation 128343 (VCV000128343.26), dbSNP rs2760118, ClinGen allele CA151744.

ClinVar aggregate classification (germline): Benign/Likely benign. Review status: criteria provided, multiple submitters, no conflicts (2 of 4 stars). 8 submissions from 8 submitters: Benign (6); Likely benign (1). 1 of the submissions does not count toward it. Last evaluated 2026-02-04.

Conditions:
Succinate-semialdehyde dehydrogenase deficiency (SSADHD). Also called: Succinic Semialdehyde Dehydrogenase Deficiency; GABA METABOLIC DEFECT; SSADH DEFICIENCY; 4-HYDROXYBUTYRIC ACIDURIA. Identifiers: Orphanet 22, MedGen C0268631, MONDO:0010083, OMIM 271980.

Allele frequency attached by ClinVar (database versions not stated): gnomAD exomes 0.31014 and 0.33661; 1000 Genomes Project 0.31470; ExAC 0.31950; 1000 Genomes Project 30x 0.31980; TOPMed 0.34662; gnomAD 0.34812 and 0.35507; ESP Exome Variant Server 0.37121.
gnomAD v4.1: 544,599 of 1,613,672 alleles (34%); highest among the groups gnomAD compares: African/African-American, 45%; 94,205 homozygotes.

Submissions (8):

Labcorp Genetics (formerly Invitae), Labcorp
Classification: Benign for Succinate-semialdehyde dehydrogenase deficiency. Last evaluated: 2026-02-04. Review status: criteria provided, single submitter. Criteria: Invitae Variant Classification Sherloc (09022015). Collection method: clinical testing. Allele origin: germline.

Blueprint Genetics
Classification: Likely benign. Last evaluated: 2024-11-27. Review status: criteria provided, single submitter. Criteria: ACMG Guidelines, 2015. Collection method: clinical testing. Allele origin: germline.

Unidad de Genómica Garrahan, Hospital de Pediatría Garrahan
Classification: Benign. Last evaluated: 2024-07-15. Review status: criteria provided, single submitter. Criteria: ACMG Guidelines, 2015. Collection method: clinical testing. Allele origin: germline. Affected: no. Observed: 39 variant alleles.
Comment: This variant is classified as Benign based on local population frequency. This variant was detected in 42% of patients studied in a panel designed for Epileptic and Developmental Encephalopathy and Progressive Myoclonus Epilepsy. Number of patients: 39. Only high quality variants are reported.

Mayo Clinic Laboratories, Mayo Clinic
Classification: Benign. Last evaluated: 2024-06-11. Review status: criteria provided, single submitter. Criteria: ACMG Guidelines, 2015. Collection method: clinical testing. Allele origin: germline. Observed: 221 variant alleles.
Comment: The c.538C>T (p.His180Tyr) variant is not itself pathogenic but it has been reported in several individuals with succinic semialdehyde dehydrogenase deficiency who also had other pathogenic variants in ALDH5A1 (PMID:38791277, PMID:14635103). It is thought to have an enhancing effect on pathogenic variants present in cis (on the same chromosome). Functional studies have been performed to assess the impact of this variant, including an enzyme activity assay demonstrating that this variant has 83% activity relative to wildtype (PMID:14635103). The overall minor allele frequency for this variant (rs2760118) is approximately 31.537%, including 14,947 homozygotes, with a frequency up to 44.684% in African/African American sub-populations.

GeneDx
Classification: Benign. Last evaluated: 2018-07-27. Review status: criteria provided, single submitter. Criteria: GeneDx Variant Classification Process June 2021. Collection method: clinical testing. Allele origin: germline. Affected: yes.
Comment: This variant is associated with the following publications: (PMID: 12208142, 18505418, 27056292, 19164088, 29895405)

Illumina Laboratory Services, Illumina
Classification: Benign for Succinate-semialdehyde dehydrogenase deficiency. Last evaluated: 2018-03-06. Review status: criteria provided, single submitter. Criteria: ICSL Variant Classification Criteria 13 December 2019. Collection method: clinical testing. Allele origin: germline.
Comment: This variant was observed in the ICSL laboratory as part of a predisposition screen in an ostensibly healthy population. It had not been previously curated by ICSL or reported in the Human Gene Mutation Database (HGMD: prior to June 1st, 2018), and was therefore a candidate for classification through an automated scoring system. Utilizing variant allele frequency, disease prevalence and penetrance estimates, and inheritance mode, an automated score was calculated to assess if this variant is too frequent to cause the disease. Based on the score and internal cut-off values, a variant classified as benign is not then subjected to further curation. The score for this variant resulted in a classification of benign for this disease.

Eurofins Ntd Llc (ga)
Classification: Benign. Last evaluated: 2016-08-10. Review status: criteria provided, single submitter. Criteria: EGL Classification Definitions 2015. Collection method: clinical testing. Allele origin: germline. Observed: 2 variant alleles, 2 heterozygotes.

Genetic Services Laboratory, University of Chicago
Classification: Likely benign for AllHighlyPenetrant. Review status: no assertion criteria provided. Collection method: clinical testing. Allele origin: germline. Inheritance: Autosomal recessive inheritance. Not counted in ClinVar's aggregate classification.
Comment: Likely benign based on allele frequency in 1000 Genomes Project or ESP global frequency and its presence in a patient with a rare or unrelated disease phenotype. NOT Sanger confirmed.

Literature cited by the submitters: PubMed 14635103 (cited by Mayo Clinic Laboratories, Mayo Clinic); PubMed 38791277 (cited by Mayo Clinic Laboratories, Mayo Clinic).